The following is an entry in ClinVar:

ClinVar aggregate classification (germline): Pathogenic/Likely pathogenic. Review status: criteria provided, multiple submitters, no conflicts (2 of 4 stars). 3 submissions from 3 submitters: Pathogenic (1); Likely pathogenic (2). Last evaluated 2025-07-16.

Conditions:
Arthrogryposis multiplex congenita 6. Identifiers: MedGen C5543431, MONDO:0030281, OMIM 619334.
Nemaline myopathy 2 (NEM2). Also called: Nemaline myopathy 2, autosomal recessive. Identifiers: MedGen C1850569, MONDO:0009725, OMIM 256030.

Submissions (3):

Natera, Inc.
Classification: Likely pathogenic for Nemaline myopathy type 2. Last evaluated: 2025-07-16. Review status: criteria provided, single submitter. Criteria: Natera Variant Classification Schema (03/2026). Collection method: clinical testing. Allele origin: germline.
Comment: The c.2075_2076del variant in NEB is a frameshift variant predicted to shift the reading frame beginning at codon 692 and leads to a stop codon 10 codons downstream. This variant is expected to result in nonsense mediated decay, truncation, or a dysfunctional protein product. This variant is rare in the general population with a frequency below the threshold expected for the associated phenotype(s). Given the available evidence, this variant is classified as Likely Pathogenic.

Baylor Genetics
Classification: Likely pathogenic for Arthrogryposis multiplex congenita 6. Last evaluated: 2022-05-21. Review status: criteria provided, single submitter. Criteria: ACMG Guidelines, 2015. Collection method: clinical testing. Allele origin: unknown.

Labcorp Genetics (formerly Invitae), Labcorp
Classification: Pathogenic for Nemaline myopathy 2. Last evaluated: 2020-03-27. Review status: criteria provided, single submitter. Criteria: Invitae Variant Classification Sherloc (09022015). Collection method: clinical testing. Allele origin: germline.
Comment: For these reasons, this variant has been classified as Pathogenic. Loss-of-function variants in NEB are known to be pathogenic (PMID: 25205138). This variant has not been reported in the literature in individuals with NEB-related conditions. This variant is not present in population databases (ExAC no frequency). This sequence change creates a premature translational stop signal (p.His692Leufs*10) in the NEB gene. It is expected to result in an absent or disrupted protein product.

Literature cited by the submitters: PubMed 25205138 (cited by Labcorp Genetics (formerly Invitae), Labcorp).

NM_001164508.2(NEB):c.2075_2076del (p.His692fs)

Gene: NEB (nebulin; minus strand). Cytogenetic location: 2q23.3.
Variant type: Microsatellite.
Coding change: c.2075_2076del on transcript NM_001164508.2 (MANE Select); coding-DNA positions 2075 to 2076, 2 bases deleted (AC; older notation c.2075_2076delAC).
Protein change: p.His692fs; shifts the reading frame from histidine 692.
Molecular consequence: frameshift variant.
Genome position (GRCh38, 1-based): chr2:151,692,089-151,692,090, GT deleted on the plus strand (AC on the coding strand, the reverse complement: NEB is on the minus strand); deleting any 2 consecutive bases within chr2:151,692,089-151,692,097 gives the same sequence; the c. name uses the placement nearest the transcript's 3' end. VCF-style (leftmost placement, unchanged base first): chr2-151692088-AGT-A. GRCh37 (hg19) VCF-style: chr2-152548602-AGT-A.
Other names: c.2075_2076del (NM_001271208.1); c.2075_2076del, p.His692fs (NM_001164507.2, NM_001271208.2, NM_004543.5); short protein forms H692fs.
Identifiers: ClinVar variation 1070630 (VCV001070630.9), dbSNP rs2149163148, ClinGen allele CA2580614368.